The following is an entry in ClinVar:

NM_000264.5(PTCH1):c.3920C>T (p.Pro1307Leu)

Gene: PTCH1 (patched 1; minus strand). Cytogenetic location: 9q22.32.
Variant type: single nucleotide variant.
Coding change: c.3920C>T on transcript NM_000264.5 (MANE Select); coding-DNA position 3920, C replaced by T.
Protein change: p.Pro1307Leu; replaces proline 1307 with leucine.
Molecular consequence: missense variant. On other transcripts: non-coding transcript variant (1).
Genome position (GRCh38, 1-based): chr9:95,447,336, G>A on the plus strand (C>T on the coding strand, the complement: PTCH1 is on the minus strand). VCF-style: chr9-95447336-G-A. GRCh37 (hg19) VCF-style: chr9-98209618-G-A.
Other names: c.3722C>T, p.Pro1241Leu (NM_001083602.3); c.3917C>T, p.Pro1306Leu (NM_001083603.3); c.3467C>T, p.Pro1156Leu (NM_001083604.3, NM_001083605.3, NM_001083606.3 and 1 more transcripts); c.3764C>T, p.Pro1255Leu (NM_001354918.2); short protein forms P1241L, P1307L, P1156L, P1255L, P1306L.
Identifiers: ClinVar variation 524553 (VCV000524553.14), dbSNP rs181585555, ClinGen allele CA5138005.

ClinVar aggregate classification (germline): Conflicting classifications of pathogenicity. Review status: criteria provided, conflicting classifications (1 of 4 stars). 4 submissions from 4 submitters: Uncertain significance (3); Likely benign (1). Last evaluated 2025-12-29.

Conditions:
Holoprosencephaly 7 (HPE7). Identifiers: Orphanet 2162, MedGen C1835820, MONDO:0012562, OMIM 610828.
Basal cell nevus syndrome 1 (BCNS1). Also called: GORLIN-GOLTZ SYNDROME; MULTIPLE BASAL CELL NEVI, ODONTOGENIC KERATOCYSTS, AND SKELETAL ANOMALIES. Identifiers: MedGen CN376810, MONDO:0958174, OMIM 109400.
Basal cell carcinoma, susceptibility to, 1. Also called: BCC1. Identifiers: MedGen C2751544, MONDO:0011556, OMIM 605462.
Hereditary cancer-predisposing syndrome. Also called: Neoplastic Syndromes, Hereditary; Tumor predisposition; Hereditary Cancer Syndrome; Hereditary neoplastic syndrome. Identifiers: Orphanet 140162, MedGen C0027672, MeSH D009386, MONDO:0015356.
Gorlin syndrome. Also called: Nevoid Basal Cell Carcinoma Syndrome; Basal cell nevus syndrome. Identifiers: Orphanet 377, MedGen C0004779, MONDO:0007187.

Submissions (4):

Center for Genomic Medicine, Rigshospitalet, Copenhagen University Hospital
Classification: Uncertain significance. Last evaluated: 2025-12-29. Review status: criteria provided, single submitter. Criteria: ACMG Guidelines, 2015. Collection method: clinical testing. Allele origin: germline.

Labcorp Genetics (formerly Invitae), Labcorp
Classification: Likely benign for Gorlin syndrome. Last evaluated: 2025-12-05. Review status: criteria provided, single submitter. Criteria: Invitae Variant Classification Sherloc (09022015). Collection method: clinical testing. Allele origin: germline.

Ambry Genetics
Classification: Uncertain significance for Hereditary cancer-predisposing syndrome. Last evaluated: 2025-04-03. Review status: criteria provided, single submitter. Criteria: Ambry Variant Classification Scheme 2023. Collection method: clinical testing. Allele origin: germline.
Comment: The p.P1307L variant (also known as c.3920C>T), located in coding exon 23 of the PTCH1 gene, results from a C to T substitution at nucleotide position 3920. The proline at codon 1307 is replaced by leucine, an amino acid with similar properties. This amino acid position is not well conserved in available vertebrate species. In addition, this alteration is predicted to be tolerated by in silico analysis. Since supporting evidence is limited at this time, the clinical significance of this alteration remains unclear.

Fulgent Genetics
Classification: Uncertain significance for Basal cell nevus syndrome 1; Basal cell carcinoma, susceptibility to, 1; Holoprosencephaly 7. Last evaluated: 2024-05-15. Review status: criteria provided, single submitter. Criteria: ACMG Guidelines, 2015. Collection method: clinical testing. Allele origin: germline.